The following is an entry in ClinVar:

ClinVar aggregate classification (germline): Conflicting classifications of pathogenicity. Review status: criteria provided, conflicting classifications (1 of 4 stars). 2 submissions from 2 submitters: Likely pathogenic (1); Uncertain significance (1). Last evaluated 2025-02-23.

Conditions:
Familial hemophagocytic lymphohistiocytosis 5. Also called: STXBP2-Related Familial Hemophagocytic Lymphohistiocytosis (STXBP2-fHLH). Identifiers: Orphanet 540, MedGen C2751293, MONDO:0013135, OMIM 613101.

Allele frequency attached by ClinVar (database versions not stated): TOPMed below 0.00001; ExAC 0.00001; gnomAD exomes 0.00001.
gnomAD v4.1: 8 of 1,614,172 alleles (0.0005%); highest among the groups gnomAD compares: South Asian, 0.0011%; no homozygotes.

Submissions (2):

Labcorp Genetics (formerly Invitae), Labcorp
Classification: Likely pathogenic for Familial hemophagocytic lymphohistiocytosis 5. Last evaluated: 2025-02-23. Review status: criteria provided, single submitter. Criteria: Invitae Variant Classification Sherloc (09022015). Collection method: clinical testing. Allele origin: germline.
Comment: This sequence change replaces threonine, which is neutral and polar, with methionine, which is neutral and non-polar, at codon 248 of the STXBP2 protein (p.Thr248Met). This variant is present in population databases (rs747513823, gnomAD 0.002%). This missense change has been observed in individual(s) with clinical features of hemophagocytic lymphohistiocytosis (internal data). In at least one individual the data is consistent with being in trans (on the opposite chromosome) from a pathogenic variant. ClinVar contains an entry for this variant (Variation ID: 593060). Invitae Evidence Modeling of protein sequence and biophysical properties (such as structural, functional, and spatial information, amino acid conservation, physicochemical variation, residue mobility, and thermodynamic stability) indicates that this missense variant is expected to disrupt STXBP2 protein function with a positive predictive value of 95%. In summary, the currently available evidence indicates that the variant is pathogenic, but additional data are needed to prove that conclusively. Therefore, this variant has been classified as Likely Pathogenic.

Eurofins Ntd Llc (ga)
Classification: Uncertain significance. Last evaluated: 2017-07-17. Review status: criteria provided, single submitter. Criteria: EGL Classification Definitions 2015. Collection method: clinical testing. Allele origin: germline. Observed: 1 variant allele, 1 heterozygote.

NM_006949.4(STXBP2):c.743C>T (p.Thr248Met)

Gene: STXBP2 (syntaxin binding protein 2; plus strand). Cytogenetic location: 19p13.2.
Variant type: single nucleotide variant.
Coding change: c.743C>T on transcript NM_006949.4 (MANE Select); coding-DNA position 743, C replaced by T.
Protein change: p.Thr248Met; replaces threonine 248 with methionine.
Molecular consequence: missense variant. On other transcripts: non-coding transcript variant (1).
Genome position (GRCh38, 1-based): chr19:7,642,282, C>T. VCF-style: chr19-7642282-C-T. GRCh37 (hg19) VCF-style: chr19-7707168-C-T.
Other names: c.734C>T, p.Thr245Met (NM_001127396.3); c.776C>T, p.Thr259Met (NM_001272034.2); short protein forms T248M, T245M, T259M.
Identifiers: ClinVar variation 593060 (VCV000593060.15), dbSNP rs747513823, ClinGen allele CA9143779.
Genomic context (GRCh38, chr19:7,642,282, plus strand): 5'-CCCAGCTGCTGATAATGGACCGGGCAGCTGACCCCGTGTCCCCACTACTGCATGAGCTCA[C>T]GTTCCAGGCCATGGCGTATGATCTGCTGGACATAGAGCAGGACACATACAGGTCTGCAGA-3'
Protein context (NP_008880.2, residues 238-258): DPVSPLLHEL[Thr248Met]FQAMAYDLLD